The following is an entry in ClinVar:

ClinVar aggregate classification (germline): Conflicting classifications of pathogenicity. Review status: criteria provided, conflicting classifications (1 of 4 stars). 14 submissions from 14 submitters: Uncertain significance (10); Benign (1); Likely benign (1). 2 of the submissions do not count toward it. Last evaluated 2026-04-28.

Conditions:
Peutz-Jeghers syndrome (PJS). Also called: Peutz-Jeghers polyposis; Periorificial lentiginosis syndrome; POLYPOSIS, HAMARTOMATOUS INTESTINAL; POLYPS-AND-SPOTS SYNDROME. Identifiers: Orphanet 2869, MedGen C0031269, MeSH D010580, MONDO:0008280, OMIM 175200.
Melanoma, cutaneous malignant, susceptibility to, 1 (CMM1). Also called: MELANOMA, MALIGNANT; FAMILIAL ATYPICAL MOLE-MALIGNANT MELANOMA SYNDROME; DYSPLASTIC NEVUS SYNDROME, HEREDITARY; B-K MOLE SYNDROME. Identifiers: Orphanet 618, MedGen C1835047, MONDO:0007963, OMIM 155600.
Germ cell tumor of testis (TGCT). Also called: Testicular germ cell tumor; GERM CELL TUMOR, SOMATIC. Identifiers: Orphanet 363504, MedGen C1336708, MONDO:0010108, OMIM 273300.
Familial pancreatic carcinoma. Identifiers: Orphanet 1333, MedGen C2931038, MONDO:0015278, OMIM 260350.
Hereditary cancer-predisposing syndrome. Also called: Neoplastic Syndromes, Hereditary; Hereditary Cancer Syndrome; Tumor predisposition; Hereditary neoplastic syndrome. Identifiers: Orphanet 140162, MedGen C0027672, MeSH D009386, MONDO:0015356.

Allele frequency attached by ClinVar (database versions not stated): gnomAD 0.00001; TOPMed 0.00001; gnomAD exomes 0.00002 and below 0.00001; ExAC 0.00001; 1000 Genomes Project 30x 0.00031.
gnomAD v4.1: 28 of 1,613,534 alleles (0.0017%); highest among the groups gnomAD compares: Non-Finnish European, 0.0022%; no homozygotes.

Submissions (14):

Ambry Genetics
Classification: Uncertain significance for Hereditary cancer-predisposing syndrome. Last evaluated: 2026-04-28. Review status: criteria provided, single submitter. Criteria: Ambry Variant Classification Scheme 2023. Collection method: clinical testing. Allele origin: germline.
Comment: The p.T32A variant (also known as c.94A>G), located in coding exon 1 of the STK11 gene, results from an A to G substitution at nucleotide position 94. The threonine at codon 32 is replaced by alanine, an amino acid with similar properties. This amino acid position is highly conserved in available vertebrate species. In addition, this alteration is predicted to be tolerated by in silico analysis. Since supporting evidence is limited at this time, the clinical significance of this alteration remains unclear.

Labcorp Genetics (formerly Invitae), Labcorp
Classification: Benign for Peutz-Jeghers syndrome. Last evaluated: 2026-01-22. Review status: criteria provided, single submitter. Criteria: Invitae Variant Classification Sherloc (09022015). Collection method: clinical testing. Allele origin: germline.

Color Diagnostics, LLC DBA Color Health
Classification: Likely benign for Hereditary cancer-predisposing syndrome. Last evaluated: 2025-11-25. Review status: criteria provided, single submitter. Criteria: ACMG Guidelines, 2015. Collection method: clinical testing. Allele origin: germline.

Quest Diagnostics Nichols Institute San Juan Capistrano
Classification: Uncertain significance. Last evaluated: 2025-05-28. Review status: criteria provided, single submitter. Criteria: Quest Diagnostics criteria. Collection method: clinical testing. Allele origin: unknown.
Comment: The STK11 c.94A>G (p.Thr32Ala) variant has been reported in the published literature in individuals affected with colorectal cancer (PMID: 34761457 (2022)), ovarian cancer (PMID: 34326862 (2021)), breast cancer (PMID: 33471991 (2021), see also LOVD), as well as in a reportedly unaffected individual (PMID: 30476936 (2019)). The frequency of this variant in the general population (Genome Aggregation Database) is uninformative in the assessment of its pathogenicity. Analysis of this variant using bioinformatics tools for the prediction of the effect of amino acid changes on protein structure and function yielded predictions that this variant is benign. Based on the available information, we are unable to determine the clinical significance of this variant.

All of Us Research Program, National Institutes of Health
Classification: Uncertain significance for Peutz-Jeghers syndrome. Last evaluated: 2024-07-29. Review status: criteria provided, single submitter. Criteria: ACMG Guidelines, 2015. Collection method: clinical testing. Allele origin: germline. Inheritance: Autosomal dominant inheritance. Observed: 5 variant alleles, 5 heterozygotes.
Comment: This missense variant replaces threonine with alanine at codon 32 of the STK11 protein. Computational prediction suggests that this variant may not impact protein structure and function (internally defined REVEL score threshold <= 0.5, PMID: 27666373). To our knowledge, functional studies have not been reported for this variant. This variant has not been reported in individuals affected with STK11-related disorders in the literature. This variant has been identified in 2/275700 chromosomes in the general population by the Genome Aggregation Database (gnomAD). The available evidence is insufficient to determine the role of this variant in disease conclusively. Therefore, this variant is classified as a Variant of Uncertain Significance.

This study involves interpretation of variants in research participants for the purpose of population health screening. Participant phenotype was not available at the time of variant classification. Additional details can be found in publication PMID: 35346344, PMCID: PMC8962531

Fulgent Genetics
Classification: Uncertain significance for Melanoma, cutaneous malignant, susceptibility to, 1; Peutz-Jeghers syndrome; Familial pancreatic carcinoma; Germ cell tumor of testis. Last evaluated: 2024-06-20. Review status: criteria provided, single submitter. Criteria: ACMG Guidelines, 2015. Collection method: clinical testing. Allele origin: germline.

GeneDx
Classification: Uncertain significance. Last evaluated: 2023-12-11. Review status: criteria provided, single submitter. Criteria: GeneDx Variant Classification Process June 2021. Collection method: clinical testing. Allele origin: germline. Affected: yes.
Comment: Not observed at significant frequency in large population cohorts (gnomAD); In silico analysis supports that this missense variant does not alter protein structure/function; Observed in individuals with breast or colorectal cancer (PMID: 33471991, 34761457); This variant is associated with the following publications: (PMID: 34761457, 34326862, 30476936, 33471991)

Women's Health and Genetics/Laboratory Corporation of America, LabCorp
Classification: Uncertain significance. Last evaluated: 2023-10-05. Review status: criteria provided, single submitter. Criteria: LabCorp Variant Classification Summary - May 2015. Collection method: clinical testing. Allele origin: germline.
Comment: Variant summary: STK11 c.94A>G (p.Thr32Ala) results in a non-conservative amino acid change in the encoded protein sequence. Three of five in-silico tools predict a benign effect of the variant on protein function. The variant allele was found at a frequency of 4e-06 in 247484 control chromosomes (gnomAD). The available data on variant occurrences in the general population are insufficient to allow any conclusion about variant significance. c.94A>G has been reported in the literature in individuals affected with ovarian cancer or colorectal cancer (Bhai_2021, Mikaeel_2021). These reports do not provide unequivocal conclusions about association of the variant with Peutz-Jeghers Syndrome. To our knowledge, no experimental evidence demonstrating an impact on protein function has been reported. The following publications have been ascertained in the context of this evaluation (PMID: 34326862, 34761457, 30476936). Ten submitters have cited clinical-significance assessments for this variant to ClinVar after 2014. All submitters classified the variant as uncertain significance. Based on the evidence outlined above, the variant was classified as uncertain significance.

Department of Pathology and Laboratory Medicine, Sinai Health System
Classification: Uncertain significance for Peutz-Jeghers syndrome. Last evaluated: 2023-08-16. Review status: criteria provided, single submitter. Criteria: ACMG Guidelines, 2015. Collection method: clinical testing. Allele origin: germline. Affected: yes.

Myriad Genetics, Inc.
Classification: Uncertain significance for Peutz-Jeghers syndrome. Last evaluated: 2023-04-12. Review status: criteria provided, single submitter. Criteria: Myriad Autosomal Dominant, Autosomal Recessive and X-Linked Classification Criteria (2023). Collection method: clinical testing. Allele origin: unknown.
Comment: This variant is classified as a variant of uncertain significance as there is insufficient evidence to determine its impact on protein function and/or cancer risk.

Sema4
Classification: Uncertain significance for Hereditary cancer-predisposing syndrome. Last evaluated: 2021-10-19. Review status: criteria provided, single submitter. Criteria: Sema4 Curation Guidelines. Collection method: curation. Allele origin: germline.
Comment: The STK11 c.94A>G (p.T32A) variant has been reported in heterozygosity in at least one individual with breast cancer (PMID: 33471991). This variant was observed in 2/127230 chromosomes in the European (non-Finnish) population according to the Genome Aggregation Database (PMID: 32461654), and has been reported in ClinVar (Variation ID: 237806). Functional studies have not been performed, and in silico predictions of the variant's effect on protein function are inconclusive. Based on the current evidence available, this variant is interpreted as a variant of uncertain significance.

Genome-Nilou Lab
Classification: Uncertain significance for Peutz-Jeghers syndrome. Last evaluated: 2021-07-15. Review status: criteria provided, single submitter. Criteria: ACMG Guidelines, 2015. Collection method: clinical testing. Allele origin: germline. Affected: no.

Gharavi Laboratory, Columbia University
Classification: Uncertain significance. Last evaluated: 2018-09-16. Review status: no assertion criteria provided. Criteria: ACMG Guidelines, 2015. Collection method: research. Allele origin: germline. Affected: no. Not counted in ClinVar's aggregate classification.

Counsyl
Classification: Uncertain significance for Peutz-Jeghers syndrome. Last evaluated: 2016-09-19. Review status: no assertion criteria provided. Collection method: clinical testing. Allele origin: unknown. Not counted in ClinVar's aggregate classification.

Literature cited by the submitters: PubMed 34761457 (cited by Quest Diagnostics Nichols Institute San Juan Capistrano and Women's Health and Genetics/Laboratory Corporation of America, LabCorp); PubMed 34326862 (cited by Quest Diagnostics Nichols Institute San Juan Capistrano and Women's Health and Genetics/Laboratory Corporation of America, LabCorp); PubMed 33471991 (cited by 3 submitters); PubMed 30476936 (cited by Quest Diagnostics Nichols Institute San Juan Capistrano and Women's Health and Genetics/Laboratory Corporation of America, LabCorp).

NM_000455.5(STK11):c.94A>G (p.Thr32Ala)

Gene: STK11 (serine/threonine kinase 11; plus strand). Cytogenetic location: 19p13.3.
Variant type: single nucleotide variant.
Coding change: c.94A>G on transcript NM_000455.5 (MANE Select); coding-DNA position 94, A replaced by G.
Protein change: p.Thr32Ala; replaces threonine 32 with alanine.
Molecular consequence: missense variant.
Genome position (GRCh38, 1-based): chr19:1,207,007, A>G. VCF-style: chr19-1207007-A-G. GRCh37 (hg19) VCF-style: chr19-1207006-A-G.
Other names: short protein forms T32A.
Identifiers: ClinVar variation 237806 (VCV000237806.36), dbSNP rs755210880, ClinGen allele CA049791.